The following is an entry in ClinVar:

ClinVar aggregate classification (germline): Uncertain significance (1 of 4 stars; one submission).

gnomAD v4.1: 9 of 1,613,848 alleles (0.00056%); highest among the groups gnomAD compares: Non-Finnish European, 0.00076%; no homozygotes.

Submission:

Labcorp Genetics (formerly Invitae), Labcorp
Classification: Uncertain significance. Last evaluated: 2025-07-08. Review status: criteria provided, single submitter. Criteria: Invitae Variant Classification Sherloc (09022015). Collection method: clinical testing. Allele origin: germline.
Comment: This sequence change replaces asparagine, which is neutral and polar, with tyrosine, which is neutral and polar, at codon 120 of the FLI1 protein (p.Asn120Tyr). This variant is present in population databases (no rsID available, gnomAD 0.007%). This variant has not been reported in the literature in individuals affected with FLI1-related conditions. Invitae Evidence Modeling of protein sequence and biophysical properties (such as structural, functional, and spatial information, amino acid conservation, physicochemical variation, residue mobility, and thermodynamic stability) indicates that this missense variant is not expected to disrupt FLI1 protein function with a negative predictive value of 80%. In summary, the available evidence is currently insufficient to determine the role of this variant in disease. Therefore, it has been classified as a Variant of Uncertain Significance.

NM_002017.5(FLI1):c.358A>T (p.Asn120Tyr)

Gene: FLI1 (Fli-1 proto-oncogene, ETS transcription factor; plus strand). Cytogenetic location: 11q24.3.
Variant type: single nucleotide variant.
Coding change: c.358A>T on transcript NM_002017.5 (MANE Select); coding-DNA position 358, A replaced by T.
Protein change: p.Asn120Tyr; replaces asparagine 120 with tyrosine.
Molecular consequence: missense variant. On other transcripts: intron variant (1).
Genome position (GRCh38, 1-based): chr11:128,768,245, A>T. VCF-style: chr11-128768245-A-T. GRCh37 (hg19) VCF-style: chr11-128638140-A-T.
Other names: c.259A>T, p.Asn87Tyr (NM_001167681.3, NM_001440369.1, NM_001440370.1 and 1 more transcripts); c.160A>T, p.Asn54Tyr (NM_001271010.2); c.358A>T, p.Asn120Tyr (NM_001440372.1); c.10+9919A>T (NM_001271012.2); short protein forms N120Y, N54Y, N87Y.
Identifiers: ClinVar variation 4759829 (VCV004759829.1).
Genomic context (GRCh38, chr11:128,768,245, plus strand): 5'-ATGAACTACAACAGCTATATGGACGAGAAGAATGGCCCCCCTCCTCCCAACATGACCACC[A>T]ACGAGAGGAGAGTCATCGTCCCCGCAGGTAATTCGAGAACCAGGCTGCCTGGGCGCCATT-3'
Protein context (NP_002008.2, residues 110-130): NGPPPPNMTT[Asn120Tyr]ERRVIVPADP